The following is an entry in ClinVar:

ClinVar aggregate classification (germline): Benign/Likely benign. Review status: criteria provided, multiple submitters, no conflicts (2 of 4 stars). 9 submissions from 9 submitters: Benign (4); Likely benign (2). 3 of the submissions do not count toward it. Last evaluated 2026-05-11.

Conditions:
COL9A2-related disorder. Also called: COL9A2-related condition.
Connective tissue disorder. Also called: Connective tissue disease. Identifiers: MedGen C0009782, MONDO:0003900.
Epiphyseal dysplasia, multiple, 2 (EDM2). Also called: COL9A2-Related Multiple Epiphyseal Dysplasia. Identifiers: MedGen C1838429, MONDO:0010844, OMIM 600204.

Allele frequency attached by ClinVar (database versions not stated): gnomAD exomes 0.00071 and 0.00195; TOPMed 0.00874; ExAC 0.00259; ESP Exome Variant Server 0.00792; 1000 Genomes Project 0.00779; gnomAD 0.00811 and 0.00866; 1000 Genomes Project 30x 0.00812.

Submissions (9):

Women's Health and Genetics/Laboratory Corporation of America, LabCorp
Classification: Likely benign. Last evaluated: 2026-05-11. Review status: criteria provided, single submitter. Criteria: LabCorp Variant Classification Summary - May 2015. Collection method: clinical testing. Allele origin: germline.

Labcorp Genetics (formerly Invitae), Labcorp
Classification: Benign. Last evaluated: 2026-02-01. Review status: criteria provided, single submitter. Criteria: Invitae Variant Classification Sherloc (09022015). Collection method: clinical testing. Allele origin: germline.

Genome Diagnostics Laboratory, The Hospital for Sick Children
Classification: Benign for Connective tissue disorder. Last evaluated: 2021-06-18. Review status: criteria provided, single submitter. Criteria: ACMG Guidelines, 2015. Collection method: clinical testing. Allele origin: germline.

Illumina Laboratory Services, Illumina
Classification: Benign for Epiphyseal dysplasia, multiple, 2. Last evaluated: 2018-01-13. Review status: criteria provided, single submitter. Criteria: ICSL Variant Classification Criteria 13 December 2019. Collection method: clinical testing. Allele origin: germline.
Comment: This variant was observed in the ICSL laboratory as part of a predisposition screen in an ostensibly healthy population. It had not been previously curated by ICSL or reported in the Human Gene Mutation Database (HGMD: prior to June 1st, 2018), and was therefore a candidate for classification through an automated scoring system. Utilizing variant allele frequency, disease prevalence and penetrance estimates, and inheritance mode, an automated score was calculated to assess if this variant is too frequent to cause the disease. Based on the score and internal cut-off values, a variant classified as benign is not then subjected to further curation. The score for this variant resulted in a classification of benign for this disease.

GeneDx
Classification: Benign. Last evaluated: 2017-03-28. Review status: criteria provided, single submitter. Criteria: GeneDx Variant Classification (06012015). Collection method: clinical testing. Allele origin: germline. Affected: yes.
Comment: This variant is considered likely benign or benign based on one or more of the following criteria: it is a conservative change, it occurs at a poorly conserved position in the protein, it is predicted to be benign by multiple in silico algorithms, and/or has population frequency not consistent with disease.

Breakthrough Genomics
Classification: Likely benign. Review status: criteria provided, single submitter. Criteria: ACMG Guidelines, 2015. Collection method: not provided. Allele origin: germline. Inheritance: Autosomal recessive inheritance. Affected: yes.

PreventionGenetics, part of Exact Sciences
Classification: Benign for COL9A2-related condition. Last evaluated: 2019-05-03. Review status: no assertion criteria provided. Collection method: clinical testing. Allele origin: germline. Not counted in ClinVar's aggregate classification.
Comment: This variant is classified as benign based on ACMG/AMP sequence variant interpretation guidelines (Richards et al. 2015 PMID: 25741868, with internal and published modifications).

Clinical Genetics DNA and cytogenetics Diagnostics Lab, Erasmus MC, Erasmus Medical Center
Classification: Benign. Review status: no assertion criteria provided. Collection method: clinical testing. Allele origin: germline. Affected: yes. Study: VKGL Data-share Consensus. Not counted in ClinVar's aggregate classification.

Clinical Genetics, Academic Medical Center
Classification: Benign. Review status: no assertion criteria provided. Collection method: clinical testing. Allele origin: germline. Affected: yes. Study: VKGL Data-share Consensus. Not counted in ClinVar's aggregate classification.

NM_001852.4(COL9A2):c.544A>G (p.Met182Val)

Gene: COL9A2 (collagen type IX alpha 2 chain; minus strand). Cytogenetic location: 1p34.2.
Variant type: single nucleotide variant.
Coding change: c.544A>G on transcript NM_001852.4 (MANE Select); coding-DNA position 544, A replaced by G.
Protein change: p.Met182Val; replaces methionine 182 with valine.
Molecular consequence: missense variant.
Genome position (GRCh38, 1-based): chr1:40,311,262, T>C on the plus strand (A>G on the coding strand, the complement: COL9A2 is on the minus strand). VCF-style: chr1-40311262-T-C. GRCh37 (hg19) VCF-style: chr1-40776934-T-C.
Other names: short protein forms M182V.
Identifiers: ClinVar variation 258391 (VCV000258391.26), dbSNP rs113549021, ClinGen allele CA791862.